The following is an entry in ClinVar:

NM_001323289.2(CDKL5):c.2711C>T (p.Pro904Leu)

Gene: CDKL5 (cyclin dependent kinase like 5; plus strand). Cytogenetic location: Xp22.13.
Variant type: single nucleotide variant.
Coding change: c.2711C>T on transcript NM_001323289.2 (MANE Select); coding-DNA position 2711, C replaced by T.
Protein change: p.Pro904Leu; replaces proline 904 with leucine.
Molecular consequence: missense variant.
Genome position (GRCh38, 1-based): chrX:18,628,585, C>T. VCF-style: chrX-18628585-C-T. GRCh37 (hg19) VCF-style: chrX-18646705-C-T.
Other names: c.2711C>T, p.Pro904Leu (NM_001037343.2, NM_003159.3); short protein forms P904L.
Identifiers: ClinVar variation 3753781 (VCV003753781.2).

ClinVar aggregate classification (germline): Uncertain significance (1 of 4 stars; one submission).

Conditions:
Developmental and epileptic encephalopathy, 2 (DEE2). Also called: CDKL5 deficiency disorder; INFANTILE SPASM SYNDROME, X-LINKED 2. Identifiers: Orphanet 1934, Orphanet 3451, Orphanet 505652, MedGen C4750718, MONDO:0010396, OMIM 300672.
Angelman syndrome-like. Identifiers: MedGen CN128785.

Submission:

Labcorp Genetics (formerly Invitae), Labcorp
Classification: Uncertain significance for Developmental and epileptic encephalopathy, 2; Angelman syndrome-like. Last evaluated: 2024-03-24. Review status: criteria provided, single submitter. Criteria: Invitae Variant Classification Sherloc (09022015). Collection method: clinical testing. Allele origin: germline.
Comment: This sequence change replaces proline, which is neutral and non-polar, with leucine, which is neutral and non-polar, at codon 904 of the CDKL5 protein (p.Pro904Leu). This variant is not present in population databases (gnomAD no frequency). This variant has not been reported in the literature in individuals affected with CDKL5-related conditions. Advanced modeling of protein sequence and biophysical properties (such as structural, functional, and spatial information, amino acid conservation, physicochemical variation, residue mobility, and thermodynamic stability) performed at Invitae indicates that this missense variant is not expected to disrupt CDKL5 protein function with a negative predictive value of 95%. Algorithms developed to predict the effect of sequence changes on RNA splicing suggest that this variant may disrupt the consensus splice site. In summary, the available evidence is currently insufficient to determine the role of this variant in disease. Therefore, it has been classified as a Variant of Uncertain Significance.